The following is an entry in ClinVar:

ClinVar aggregate classification (germline): Conflicting classifications of pathogenicity. Review status: criteria provided, conflicting classifications (1 of 4 stars). 2 submissions from 2 submitters: Uncertain significance (1); Likely benign (1). Last evaluated 2025-11-11.

Conditions:
Hereditary cancer-predisposing syndrome. Also called: Hereditary neoplastic syndrome; Tumor predisposition; Neoplastic Syndromes, Hereditary; Hereditary Cancer Syndrome. Identifiers: Orphanet 140162, MedGen C0027672, MeSH D009386, MONDO:0015356.
Familial cancer of breast. Also called: hereditary breast carcinoma; Hereditary breast cancer; BREAST CANCER, FAMILIAL. Identifiers: Orphanet 227535, MedGen C0346153, MONDO:0016419, OMIM 114480. Disease mechanism: loss of function.

Submissions (2):

Ambry Genetics
Classification: Likely benign for Hereditary cancer-predisposing syndrome. Last evaluated: 2025-11-11. Review status: criteria provided, single submitter. Criteria: Ambry Variant Classification Scheme 2023. Collection method: clinical testing. Allele origin: germline.

Labcorp Genetics (formerly Invitae), Labcorp
Classification: Uncertain significance for Familial cancer of breast. Last evaluated: 2021-04-27. Review status: criteria provided, single submitter. Criteria: Invitae Variant Classification Sherloc (09022015). Collection method: clinical testing. Allele origin: germline.
Comment: In summary, the available evidence is currently insufficient to determine the role of this variant in disease. Therefore, it has been classified as a Variant of Uncertain Significance. Algorithms developed to predict the effect of missense changes on protein structure and function output the following: SIFT: "Tolerated"; PolyPhen-2: "Benign"; Align-GVGD: "Class C0". The valine amino acid residue is found in multiple mammalian species, suggesting that this missense change does not adversely affect protein function. These predictions have not been confirmed by published functional studies and their clinical significance is uncertain. This variant has not been reported in the literature in individuals with BARD1-related conditions. This variant is not present in population databases (ExAC no frequency). This sequence change replaces alanine with valine at codon 502 of the BARD1 protein (p.Ala502Val). The alanine residue is moderately conserved and there is a small physicochemical difference between alanine and valine.

NM_000465.4(BARD1):c.1505C>T (p.Ala502Val)

Gene: BARD1 (BRCA1 associated RING domain 1; minus strand). Cytogenetic location: 2q35.
Variant type: single nucleotide variant.
Coding change: c.1505C>T on transcript NM_000465.4 (MANE Select); coding-DNA position 1505, C replaced by T.
Protein change: p.Ala502Val; replaces alanine 502 with valine.
Molecular consequence: missense variant. On other transcripts: non-coding transcript variant (3), intron variant (3).
Genome position (GRCh38, 1-based): chr2:214,767,545, G>A on the plus strand (C>T on the coding strand, the complement: BARD1 is on the minus strand). VCF-style: chr2-214767545-G-A. GRCh37 (hg19) VCF-style: chr2-215632269-G-A.
Other names: c.1505C>T (NM_000465.2); c.1448C>T, p.Ala483Val (NM_001282543.2); c.159-14990C>T (NM_001282548.2); c.216-14990C>T (NM_001282545.2); c.364+24752C>T (NM_001282549.2); short protein forms A483V, A502V.
Identifiers: ClinVar variation 1349304 (VCV001349304.10), dbSNP rs2106076564, ClinGen allele CA350448335.